The following is an entry in ClinVar:

NM_015629.4(PRPF31):c.1289dup (p.Gln431fs)

Gene: PRPF31 (pre-mRNA processing factor 31; plus strand). Cytogenetic location: 19q13.42.
Variant type: Duplication.
Coding change: c.1289dup on transcript NM_015629.4 (MANE Select); coding-DNA position 1289, one base duplicated (A; older notation c.1289dupA).
Protein change: p.Gln431fs; shifts the reading frame from glutamine 431.
Molecular consequence: frameshift variant.
Genome position (GRCh38, 1-based): chr19:54,129,285, A duplicated; the last of 2 consecutive A bases (chr19:54,129,284-54,129,285); duplicating either gives the same sequence. VCF-style (leftmost placement, unchanged base first): chr19-54129283-G-GA. GRCh37 (hg19) VCF-style: chr19-54632658-G-GA.
Other names: short protein forms Q431fs.
Identifiers: ClinVar variation 2009439 (VCV002009439.5), dbSNP rs2516208014, ClinGen allele CA2580097824.
Genomic context (GRCh38, chr19:54,129,283, plus strand): 5'-ACACAAGGTGGGGGGAGCCCAGATCGCAGCCTCCCTGTCCTCCCCACAGCGGACCCTGCA[G>GA]AAGCAGAGCGTCGTATATGGCGGGAAGTCCACCATCCGCGACCGCTCCTCGGGCACGGCC-3'

ClinVar aggregate classification (germline): Pathogenic. Review status: criteria provided, multiple submitters, no conflicts (2 of 4 stars). 2 submissions from 2 submitters: Pathogenic (2). Last evaluated 2022-10-28.

Conditions:
PRPF31-related disorder. Also called: PRPF31-related condition.

Submissions (2):

Labcorp Genetics (formerly Invitae), Labcorp
Classification: Pathogenic. Last evaluated: 2022-10-28. Review status: criteria provided, single submitter. Criteria: Invitae Variant Classification Sherloc (09022015). Collection method: clinical testing. Allele origin: germline.
Comment: This variant is not present in population databases (gnomAD no frequency). This variant has not been reported in the literature in individuals affected with PRPF31-related conditions. Algorithms developed to predict the effect of sequence changes on RNA splicing suggest that this variant may disrupt the consensus splice site. This variant disrupts a region of the PRPF31 protein in which other variant(s) (Deletion (Exon 14)) have been determined to be pathogenic (Invitae). This suggests that this is a clinically significant region of the protein, and that variants that disrupt it are likely to be disease-causing. For these reasons, this variant has been classified as Pathogenic. This sequence change creates a premature translational stop signal (p.Gln431Alafs*44) in the PRPF31 gene. While this is not anticipated to result in nonsense mediated decay, it is expected to disrupt the last 69 amino acid(s) of the PRPF31 protein.

Blueprint Genetics
Classification: Pathogenic for PRPF31-related disorders. Last evaluated: 2020-03-25. Review status: criteria provided, single submitter. Criteria: ACMG Guidelines, 2015. Collection method: clinical testing. Allele origin: germline. Affected: yes. Observed: 4 variant alleles.